The following is an entry in ClinVar:

NM_024537.4(CARS2):c.409G>C (p.Ala137Pro)

Gene: CARS2 (cysteinyl-tRNA synthetase 2, mitochondrial; minus strand). Cytogenetic location: 13q34.
Variant type: single nucleotide variant.
Coding change: c.409G>C on transcript NM_024537.4 (MANE Select); coding-DNA position 409, G replaced by C.
Protein change: p.Ala137Pro; replaces alanine 137 with proline.
Molecular consequence: missense variant. On other transcripts: 5 prime UTR variant (1), non-coding transcript variant (2).
Genome position (GRCh38, 1-based): chr13:110,688,003, C>G on the plus strand (G>C on the coding strand, the complement: CARS2 is on the minus strand). VCF-style: chr13-110688003-C-G. GRCh37 (hg19) VCF-style: chr13-111340350-C-G.
Other names: c.-591G>C (NM_001352252.2); c.409G>C, p.Ala137Pro (NM_001352253.3); short protein forms A137P.
Identifiers: ClinVar variation 3365365 (VCV003365365.1).

ClinVar aggregate classification (germline): Uncertain significance (1 of 4 stars; one submission).

gnomAD v4.1: 4 of 1,609,904 alleles (0.00025%); highest among the groups gnomAD compares: Non-Finnish European, 0.00034%; no homozygotes.

Submission:

GeneDx
Classification: Uncertain significance. Last evaluated: 2023-12-08. Review status: criteria provided, single submitter. Criteria: GeneDx Variant Classification Process June 2021. Collection method: clinical testing. Allele origin: germline. Affected: yes.
Comment: Not observed at significant frequency in large population cohorts (gnomAD); In silico analysis supports that this missense variant does not alter protein structure/function; Has not been previously published as pathogenic or benign to our knowledge